The following is an entry in ClinVar:

ClinVar aggregate classification (germline): Uncertain significance (1 of 4 stars; one submission).

Conditions:
Alstrom syndrome (ALMS). Identifiers: Orphanet 64, MedGen C0268425, MONDO:0008763, OMIM 203800.

Allele frequency attached by ClinVar (database versions not stated): ExAC 0.00003; gnomAD exomes 0.00001; TOPMed 0.00002.
gnomAD v4.1: 16 of 1,613,934 alleles (0.00099%); highest among the groups gnomAD compares: Admixed American, 0.015%; no homozygotes.

Submission:

Labcorp Genetics (formerly Invitae), Labcorp
Classification: Uncertain significance for Alstrom syndrome. Last evaluated: 2022-10-13. Review status: criteria provided, single submitter. Criteria: Invitae Variant Classification Sherloc (09022015). Collection method: clinical testing. Allele origin: germline.
Comment: This sequence change replaces proline, which is neutral and non-polar, with alanine, which is neutral and non-polar, at codon 1938 of the ALMS1 protein (p.Pro1938Ala). This variant is present in population databases (rs767414544, gnomAD 0.02%). This variant has not been reported in the literature in individuals affected with ALMS1-related conditions. Experimental studies and prediction algorithms are not available or were not evaluated, and the functional significance of this variant is currently unknown. In summary, the available evidence is currently insufficient to determine the role of this variant in disease. Therefore, it has been classified as a Variant of Uncertain Significance.

NM_001378454.1(ALMS1):c.5809C>G (p.Pro1937Ala)

Gene: ALMS1 (ALMS1 centrosome and basal body associated protein; plus strand). Cytogenetic location: 2p13.1.
Variant type: single nucleotide variant.
Coding change: c.5809C>G on transcript NM_001378454.1 (MANE Select); coding-DNA position 5809, C replaced by G.
Protein change: p.Pro1937Ala; replaces proline 1937 with alanine.
Molecular consequence: missense variant.
Genome position (GRCh38, 1-based): chr2:73,452,336, C>G. VCF-style: chr2-73452336-C-G. GRCh37 (hg19) VCF-style: chr2-73679463-C-G.
Other names: c.5812C>G, p.Pro1938Ala (NM_015120.4); short protein forms P1937A, P1938A.
Identifiers: ClinVar variation 1982710 (VCV001982710.1), dbSNP rs767414544, ClinGen allele CA1713943.